The following is an entry in ClinVar:

ClinVar aggregate classification (germline): Conflicting classifications of pathogenicity. Review status: criteria provided, conflicting classifications (1 of 4 stars). 2 submissions from 2 submitters: Uncertain significance (1); Likely benign (1). Last evaluated 2024-03-06.

Conditions:
Cardiomyopathy (CMYO). Also called: Cardiomyopathies. Identifiers: Orphanet 167848, MedGen C0878544, MONDO:0004994, HP:0001638. Inheritance: Various modes of inheritance.
Arrhythmogenic cardiomyopathy with wooly hair and keratoderma. Also called: Carvajal syndrome; PALMOPLANTAR KERATODERMA WITH LEFT VENTRICULAR CARDIOMYOPATHY AND WOOLLY HAIR; Arrhythmogenic cardiomyopathy with woolly hair and keratoderma; Dilated cardiomyopathy with woolly hair and keratoderma. Identifiers: Orphanet 65282, MedGen C1854063, MONDO:0011581, OMIM 605676.
Arrhythmogenic right ventricular dysplasia 8 (ARVD8). Also called: Arrhythmogenic Right Ventricular Dysplasia/Cardiomyopathy 8; ARRHYTHMOGENIC RIGHT VENTRICULAR DYSPLASIA, FAMILIAL, 8; ARRHYTHMOGENIC RIGHT VENTRICULAR CARDIOMYOPATHY 8. Identifiers: MedGen C1843896, MONDO:0011831, OMIM 607450.

Allele frequency attached by ClinVar (database versions not stated): gnomAD exomes below 0.00001 and 0.00001; TOPMed below 0.00001; ExAC 0.00001.
gnomAD v4.1: 2 of 1,614,086 alleles (0.00012%); highest among the groups gnomAD compares: East Asian, 0.0045%; no homozygotes.

Submissions (2):

Color Diagnostics, LLC DBA Color Health
Classification: Uncertain significance for Cardiomyopathy. Last evaluated: 2024-03-06. Review status: criteria provided, single submitter. Criteria: ACMG Guidelines, 2015. Collection method: clinical testing. Allele origin: germline.
Comment: This missense variant replaces tyrosine with cysteine at codon 2029 of the DSP protein. Computational prediction suggests that this variant may not impact protein structure and function (internally defined REVEL score threshold <= 0.5, PMID: 27666373). To our knowledge, functional studies have not been reported for this variant. This variant has not been reported in individuals affected with cardiovascular disorders in the literature. This variant has been identified in 2/251012 chromosomes in the general population by the Genome Aggregation Database (gnomAD). The available evidence is insufficient to determine the role of this variant in disease conclusively. Therefore, this variant is classified as a Variant of Uncertain Significance.

Labcorp Genetics (formerly Invitae), Labcorp
Classification: Likely benign for Arrhythmogenic cardiomyopathy with wooly hair and keratoderma; Arrhythmogenic right ventricular dysplasia 8. Last evaluated: 2022-12-06. Review status: criteria provided, single submitter. Criteria: Invitae Variant Classification Sherloc (09022015). Collection method: clinical testing. Allele origin: germline.

NM_004415.4(DSP):c.6086A>G (p.Tyr2029Cys)

Gene: DSP (desmoplakin; plus strand). Cytogenetic location: 6p24.3.
Variant type: single nucleotide variant.
Coding change: c.6086A>G on transcript NM_004415.4 (MANE Select); coding-DNA position 6086, A replaced by G.
Protein change: p.Tyr2029Cys; replaces tyrosine 2029 with cysteine.
Molecular consequence: missense variant.
Genome position (GRCh38, 1-based): chr6:7,583,348, A>G. VCF-style: chr6-7583348-A-G. GRCh37 (hg19) VCF-style: chr6-7583581-A-G.
Other names: c.4289A>G, p.Tyr1430Cys (NM_001008844.3); c.4757A>G, p.Tyr1586Cys (NM_001319034.2); short protein forms Y2029C, Y1430C, Y1586C.
Identifiers: ClinVar variation 971558 (VCV000971558.13), dbSNP rs753271305, ClinGen allele CA046855.